The following is an entry in ClinVar:

NM_000821.7(GGCX):c.2110C>G (p.Arg704Gly)

Gene: GGCX (gamma-glutamyl carboxylase; minus strand). Cytogenetic location: 2p11.2.
Variant type: single nucleotide variant.
Coding change: c.2110C>G on transcript NM_000821.7 (MANE Select); coding-DNA position 2110, C replaced by G.
Protein change: p.Arg704Gly; replaces arginine 704 with glycine.
Molecular consequence: missense variant.
Genome position (GRCh38, 1-based): chr2:85,550,101, G>C on the plus strand (C>G on the coding strand, the complement: GGCX is on the minus strand). VCF-style: chr2-85550101-G-C. GRCh37 (hg19) VCF-style: chr2-85777224-G-C.
Other names: c.1939C>G, p.Arg647Gly (NM_001142269.4); short protein forms R704G, R647G.
Identifiers: ClinVar variation 1498215 (VCV001498215.8), dbSNP rs772336725, ClinGen allele CA347481588.

ClinVar aggregate classification (germline): Uncertain significance (1 of 4 stars; one submission).

Submission:

Labcorp Genetics (formerly Invitae), Labcorp
Classification: Uncertain significance. Last evaluated: 2021-06-13. Review status: criteria provided, single submitter. Criteria: Invitae Variant Classification Sherloc (09022015). Collection method: clinical testing. Allele origin: germline.
Comment: This sequence change replaces arginine with glycine at codon 704 of the GGCX protein (p.Arg704Gly). The arginine residue is highly conserved and there is a moderate physicochemical difference between arginine and glycine. This variant is not present in population databases (ExAC no frequency). This variant has not been reported in the literature in individuals with GGCX-related conditions. Algorithms developed to predict the effect of missense changes on protein structure and function are either unavailable or do not agree on the potential impact of this missense change (SIFT: "Tolerated"; PolyPhen-2: "Probably Damaging"; Align-GVGD: "Class C0"). In summary, the available evidence is currently insufficient to determine the role of this variant in disease. Therefore, it has been classified as a Variant of Uncertain Significance.